The following is an entry in ClinVar:

NM_014314.4(RIGI):c.691G>A (p.Glu231Lys)

Gene: RIGI (RNA sensor RIG-I; minus strand). Cytogenetic location: 9p21.1.
Variant type: single nucleotide variant.
Coding change: c.691G>A on transcript NM_014314.4 (MANE Select); coding-DNA position 691, G replaced by A.
Protein change: p.Glu231Lys; replaces glutamic acid 231 with lysine.
Molecular consequence: missense variant.
Genome position (GRCh38, 1-based): chr9:32,491,301, C>T on the plus strand (G>A on the coding strand, the complement: RIGI is on the minus strand). VCF-style: chr9-32491301-C-T. GRCh37 (hg19) VCF-style: chr9-32491299-C-T.
Other names: c.691G>A, p.Glu231Lys (NM_001385907.1, NM_001385909.1); c.250G>A, p.Glu84Lys (NM_001385910.1); c.82G>A, p.Glu28Lys (NM_001385912.1); c.676G>A, p.Glu226Lys (NM_001385913.1); c.250G>A, p.Val84Met (NM_001385914.1); short protein forms E28K, E226K, E231K, E84K, V84M.
Identifiers: ClinVar variation 4721605 (VCV004721605.1).

ClinVar aggregate classification (germline): Uncertain significance (1 of 4 stars; one submission).

Submission:

Labcorp Genetics (formerly Invitae), Labcorp
Classification: Uncertain significance. Last evaluated: 2025-06-17. Review status: criteria provided, single submitter. Criteria: Invitae Variant Classification Sherloc (09022015). Collection method: clinical testing. Allele origin: germline.
Comment: This sequence change replaces glutamic acid, which is acidic and polar, with lysine, which is basic and polar, at codon 231 of the DDX58 protein (p.Glu231Lys). This variant also falls at the last nucleotide of exon 5, which is part of the consensus splice site for this exon. This variant is not present in population databases (gnomAD no frequency). This variant has not been reported in the literature in individuals affected with DDX58-related conditions. An algorithm developed to predict the effect of missense changes on protein structure and function (PolyPhen-2) suggests that this variant is likely to be tolerated. Variants that disrupt the consensus splice site are a relatively common cause of aberrant splicing (PMID: 17576681, 9536098). Algorithms developed to predict the effect of sequence changes on RNA splicing suggest that this variant may disrupt the consensus splice site. In summary, the available evidence is currently insufficient to determine the role of this variant in disease. Therefore, it has been classified as a Variant of Uncertain Significance.

Literature cited by the submitters: PubMed 17576681; PubMed 9536098.